The following is an entry in ClinVar:

NM_014845.6(FIG4):c.1583+3A>G

Gene: FIG4 (FIG4 phosphoinositide 5-phosphatase; plus strand). Cytogenetic location: 6q21.
Variant type: single nucleotide variant.
Coding change: c.1583+3A>G on transcript NM_014845.6 (MANE Select); 3 bases into the intron after coding-DNA position 1583, A replaced by G.
Molecular consequence: intron variant.
Genome position (GRCh38, 1-based): chr6:109,765,164, A>G. VCF-style: chr6-109765164-A-G. GRCh37 (hg19) VCF-style: chr6-110086367-A-G.
Identifiers: ClinVar variation 501898 (VCV000501898.11), dbSNP rs866431185, ClinGen allele CA145158732.
Genomic context (GRCh38, chr6:109,765,164, plus strand): 5'-TGTATTCACTGGGACTGATTGACAAACCTAATCTACAGTTTGATACAGATGCAGTTAGGT[A>G]AGTCTTATTTTTTGCTATTTGAATGCTGATAATGGCAGAAGGCAAACCTGGTTACTAATA-3'

ClinVar aggregate classification (germline): Conflicting classifications of pathogenicity. Review status: criteria provided, conflicting classifications (1 of 4 stars). 3 submissions from 3 submitters: Uncertain significance (2); Likely benign (1). Last evaluated 2023-12-17.

Conditions:
Charcot-Marie-Tooth disease type 4. Also called: Charcot-Marie-Tooth disease, type IV; Charcot-Marie-Tooth, Type 4. Identifiers: Orphanet 64749, MedGen C4082197, MONDO:0018995.

Allele frequency attached by ClinVar (database versions not stated): gnomAD exomes 0.00002.
gnomAD v4.1: 34 of 1,613,866 alleles (0.0021%); highest among the groups gnomAD compares: Middle Eastern, 0.51%; 4 homozygotes.

Submissions (3):

Labcorp Genetics (formerly Invitae), Labcorp
Classification: Uncertain significance for Charcot-Marie-Tooth disease type 4. Last evaluated: 2023-12-17. Review status: criteria provided, single submitter. Criteria: Invitae Variant Classification Sherloc (09022015). Collection method: clinical testing. Allele origin: germline.
Comment: This sequence change falls in intron 14 of the FIG4 gene. It does not directly change the encoded amino acid sequence of the FIG4 protein. It affects a nucleotide within the consensus splice site. This variant is not present in population databases (gnomAD no frequency). This variant has not been reported in the literature in individuals affected with FIG4-related conditions. ClinVar contains an entry for this variant (Variation ID: 501898). Variants that disrupt the consensus splice site are a relatively common cause of aberrant splicing (PMID: 17576681, 9536098). Algorithms developed to predict the effect of sequence changes on RNA splicing suggest that this variant is not likely to affect RNA splicing. In summary, the available evidence is currently insufficient to determine the role of this variant in disease. Therefore, it has been classified as a Variant of Uncertain Significance.

GeneDx
Classification: Likely benign. Last evaluated: 2019-04-16. Review status: criteria provided, single submitter. Criteria: GeneDx Variant Classification Process June 2021. Collection method: clinical testing. Allele origin: germline. Affected: yes.

Eurofins Ntd Llc (ga)
Classification: Uncertain significance. Last evaluated: 2017-05-08. Review status: criteria provided, single submitter. Criteria: EGL Classification Definitions 2015. Collection method: clinical testing. Allele origin: germline. Observed: 1 variant allele, 1 heterozygote.

Literature cited by the submitters: PubMed 17576681 (cited by Labcorp Genetics (formerly Invitae), Labcorp); PubMed 9536098 (cited by Labcorp Genetics (formerly Invitae), Labcorp).